The following is an entry in ClinVar:

NM_000051.4(ATM):c.5566G>C (p.Glu1856Gln)

Gene: ATM (ATM serine/threonine kinase; plus strand). Cytogenetic location: 11q22.3.
Variant type: single nucleotide variant.
Coding change: c.5566G>C on transcript NM_000051.4 (MANE Select); coding-DNA position 5566, G replaced by C.
Protein change: p.Glu1856Gln; replaces glutamic acid 1856 with glutamine.
Molecular consequence: missense variant.
Genome position (GRCh38, 1-based): chr11:108,304,744, G>C. VCF-style: chr11-108304744-G-C. GRCh37 (hg19) VCF-style: chr11-108175471-G-C.
Other names: c.5566G>C, p.Glu1856Gln (NM_001351834.2); short protein forms E1856Q.
Identifiers: ClinVar variation 652441 (VCV000652441.13), dbSNP rs1465041573, ClinGen allele CA382546057.

ClinVar aggregate classification (germline): Conflicting classifications of pathogenicity. Review status: criteria provided, conflicting classifications (1 of 4 stars). 3 submissions from 3 submitters: Uncertain significance (2); Likely benign (1). Last evaluated 2025-04-27.

Conditions:
Hereditary cancer-predisposing syndrome. Also called: Hereditary Cancer Syndrome; Tumor predisposition; Neoplastic Syndromes, Hereditary; Hereditary neoplastic syndrome. Identifiers: Orphanet 140162, MedGen C0027672, MeSH D009386, MONDO:0015356.
Ataxia-telangiectasia syndrome (AT). Also called: ATAXIA-TELANGIECTASIA, FRESNO VARIANT; Ataxia-telangiectasia, complementation group E; Ataxia telangiectasia (A-T); Cerebello-oculocutaneous telangiectasia; Immunodeficiency with ataxia telangiectasia; LOUIS-BAR SYNDROME. Identifiers: Orphanet 100, MedGen C0004135, MONDO:0008840, OMIM 208900.

Submissions (3):

Labcorp Genetics (formerly Invitae), Labcorp
Classification: Uncertain significance for Ataxia-telangiectasia syndrome. Last evaluated: 2025-04-27. Review status: criteria provided, single submitter. Criteria: Invitae Variant Classification Sherloc (09022015). Collection method: clinical testing. Allele origin: germline.
Comment: This sequence change replaces glutamic acid, which is acidic and polar, with glutamine, which is neutral and polar, at codon 1856 of the ATM protein (p.Glu1856Gln). This variant is not present in population databases (gnomAD no frequency). This variant has not been reported in the literature in individuals affected with ATM-related conditions. ClinVar contains an entry for this variant (Variation ID: 652441). Invitae Evidence Modeling of protein sequence and biophysical properties (such as structural, functional, and spatial information, amino acid conservation, physicochemical variation, residue mobility, and thermodynamic stability) indicates that this missense variant is not expected to disrupt ATM protein function with a negative predictive value of 95%. In summary, the available evidence is currently insufficient to determine the role of this variant in disease. Therefore, it has been classified as a Variant of Uncertain Significance.

Ambry Genetics
Classification: Likely benign for Hereditary cancer-predisposing syndrome. Last evaluated: 2025-02-07. Review status: criteria provided, single submitter. Criteria: Ambry Variant Classification Scheme 2023. Collection method: clinical testing. Allele origin: germline.

Color Diagnostics, LLC DBA Color Health
Classification: Uncertain significance for Hereditary cancer-predisposing syndrome. Last evaluated: 2025-01-07. Review status: criteria provided, single submitter. Criteria: ACMG Guidelines, 2015. Collection method: clinical testing. Allele origin: germline.
Comment: This missense variant replaces glutamic acid with glutamine at codon 1856 of the ATM protein. Computational prediction suggests that this variant may not impact protein structure and function. To our knowledge, functional studies have not been reported for this variant. This variant has not been reported in individuals affected with hereditary cancer in the literature. This variant has not been identified in the general population by the Genome Aggregation Database (gnomAD). The available evidence is insufficient to determine the role of this variant in disease conclusively. Therefore, this variant is classified as a Variant of Uncertain Significance.